The following is an entry in ClinVar:

ClinVar aggregate classification (germline): Uncertain significance (1 of 4 stars; one submission).

Allele frequency attached by ClinVar (database versions not stated): gnomAD exomes below 0.00001.
gnomAD v4.1: 2 of 1,613,268 alleles (0.00012%); highest among the groups gnomAD compares: Middle Eastern, 0.017%; no homozygotes.

Submission:

Labcorp Genetics (formerly Invitae), Labcorp
Classification: Uncertain significance. Last evaluated: 2023-06-23. Review status: criteria provided, single submitter. Criteria: Invitae Variant Classification Sherloc (09022015). Collection method: clinical testing. Allele origin: germline.
Comment: In summary, the available evidence is currently insufficient to determine the role of this variant in disease. Therefore, it has been classified as a Variant of Uncertain Significance. An algorithm developed to predict the effect of missense changes on protein structure and function (PolyPhen-2) suggests that this variant is likely to be disruptive. ClinVar contains an entry for this variant (Variation ID: 2134574). This variant has not been reported in the literature in individuals affected with HMCN1-related conditions. This variant is not present in population databases (gnomAD no frequency). This sequence change replaces glycine, which is neutral and non-polar, with arginine, which is basic and polar, at codon 943 of the HMCN1 protein (p.Gly943Arg).

NM_031935.3(HMCN1):c.2827G>A (p.Gly943Arg)

Gene: HMCN1 (hemicentin 1; plus strand). Cytogenetic location: 1q31.1.
Variant type: single nucleotide variant.
Coding change: c.2827G>A on transcript NM_031935.3 (MANE Select); coding-DNA position 2827, G replaced by A.
Protein change: p.Gly943Arg; replaces glycine 943 with arginine.
Molecular consequence: missense variant.
Genome position (GRCh38, 1-based): chr1:185,984,205, G>A. VCF-style: chr1-185984205-G-A. GRCh37 (hg19) VCF-style: chr1-185953337-G-A.
Other names: short protein forms G943R.
Identifiers: ClinVar variation 2134574 (VCV002134574.4), dbSNP rs2527366494, ClinGen allele CA343888660.